The following is an entry in ClinVar:

NM_001353921.2(ARHGEF9):c.942G>A (p.Trp314Ter)

Gene: ARHGEF9 (Cdc42 guanine nucleotide exchange factor 9; minus strand). Cytogenetic location: Xq11.1.
Variant type: single nucleotide variant.
Coding change: c.942G>A on transcript NM_001353921.2 (MANE Select); coding-DNA position 942, G replaced by A.
Protein change: p.Trp314Ter; replaces tryptophan 314 with a stop codon.
Molecular consequence: nonsense.
Genome position (GRCh38, 1-based): chrX:63,674,041, C>T on the plus strand (G>A on the coding strand, the complement: ARHGEF9 is on the minus strand). VCF-style: chrX-63674041-C-T. GRCh37 (hg19) VCF-style: chrX-62893921-C-T.
Other names: c.762G>A, p.Trp254Ter (NM_001173479.2); c.615G>A, p.Trp205Ter (NM_001173480.2, NM_001369042.1); c.858G>A, p.Trp286Ter (NM_001330495.2, NM_001353927.2, NM_001369033.1 and 8 more transcripts); c.942G>A, p.Trp314Ter (NM_001353922.2); c.960G>A, p.Trp320Ter (NM_001353923.1); c.741G>A, p.Trp247Ter (NM_001353924.2, NM_001353926.2, NM_001369039.1 and 1 more transcripts); c.921G>A, p.Trp307Ter (NM_001353928.2, NM_001369030.1, NM_001369031.1 and 2 more transcripts); c.507G>A, p.Trp169Ter (NM_001369045.1); short protein forms W307*, W320*, W254*, W205*, W247*, W286*, W169*, W314*.
Identifiers: ClinVar variation 1453910 (VCV001453910.6), dbSNP rs2147307979, ClinGen allele CA413405910.

ClinVar aggregate classification (germline): Pathogenic (1 of 4 stars; one submission).

Conditions:
Developmental and epileptic encephalopathy, 8 (DEE8). Also called: HYPEREKPLEXIA AND EPILEPSY. Identifiers: Orphanet 163985, Orphanet 2076, MedGen C1845102, MONDO:0010375, OMIM 300607.

Submission:

Labcorp Genetics (formerly Invitae), Labcorp
Classification: Pathogenic for Developmental and epileptic encephalopathy, 8. Last evaluated: 2025-03-31. Review status: criteria provided, single submitter. Criteria: Invitae Variant Classification Sherloc (09022015). Collection method: clinical testing. Allele origin: germline.
Comment: This sequence change creates a premature translational stop signal (p.Trp307*) in the ARHGEF9 gene. It is expected to result in an absent or disrupted protein product. Loss-of-function variants in ARHGEF9 are known to be pathogenic (PMID: 25678704, 26834553, 28589176). This variant is not present in population databases (gnomAD no frequency). This variant has not been reported in the literature in individuals affected with ARHGEF9-related conditions. ClinVar contains an entry for this variant (Variation ID: 1453910). For these reasons, this variant has been classified as Pathogenic.

Literature cited by the submitters: PubMed 25678704; PubMed 26834553; PubMed 28589176.